The following is an entry in ClinVar:

NM_017570.5(OPLAH):c.859C>T (p.Leu287Phe)

Gene: OPLAH (5-oxoprolinase, ATP-hydrolysing; minus strand). Cytogenetic location: 8q24.3.
Variant type: single nucleotide variant.
Coding change: c.859C>T on transcript NM_017570.5 (MANE Select); coding-DNA position 859, C replaced by T.
Protein change: p.Leu287Phe; replaces leucine 287 with phenylalanine.
Molecular consequence: missense variant.
Genome position (GRCh38, 1-based): chr8:144,058,329, G>A on the plus strand (C>T on the coding strand, the complement: OPLAH is on the minus strand). VCF-style: chr8-144058329-G-A. GRCh37 (hg19) VCF-style: chr8-145113232-G-A.
Other names: short protein forms L287F.
Identifiers: ClinVar variation 1990095 (VCV001990095.4), dbSNP rs782470360, ClinGen allele CA4932121.
Genomic context (GRCh38, chr8:144,058,329, plus strand): 5'-CACCCTCCTGCTGGTAGGTGGTGGCTGAGTAGCCCACCACGCCGCCGGCCGGGCCCGAGA[G>A]CACAGCACTGGAGCCGCTGAAGGTGTCCATGGGCGCCAGGCCGCCATCGGAGCGCATGAA-3'
Protein context (NP_060040.1, residues 277-297): MDTFSGSSAV[Leu287Phe]SGPAGGVVGY

ClinVar aggregate classification (germline): Uncertain significance (1 of 4 stars; one submission).

Conditions:
5-Oxoprolinase deficiency (OPLAHD). Also called: 5-OXOPROLINURIA DUE TO 5-OXOPROLINASE DEFICIENCY. Identifiers: Orphanet 33572, MedGen C0268525, MONDO:0009825, OMIM 260005, HP:0040142.

Allele frequency attached by ClinVar (database versions not stated): gnomAD exomes below 0.00001; ExAC 0.00003.
gnomAD v4.1: 5 of 1,600,630 alleles (0.00031%); highest among the groups gnomAD compares: South Asian, 0.0044%; no homozygotes.

Submission:

Labcorp Genetics (formerly Invitae), Labcorp
Classification: Uncertain significance for 5-Oxoprolinase deficiency. Last evaluated: 2022-07-18. Review status: criteria provided, single submitter. Criteria: Invitae Variant Classification Sherloc (09022015). Collection method: clinical testing. Allele origin: germline.
Comment: This sequence change replaces leucine, which is neutral and non-polar, with phenylalanine, which is neutral and non-polar, at codon 287 of the OPLAH protein (p.Leu287Phe). This variant is present in population databases (rs782470360, gnomAD 0.007%). This variant has not been reported in the literature in individuals affected with OPLAH-related conditions. In summary, the available evidence is currently insufficient to determine the role of this variant in disease. Therefore, it has been classified as a Variant of Uncertain Significance.